The following is an entry in ClinVar:

ClinVar aggregate classification (germline): Uncertain significance. Review status: criteria provided, multiple submitters, no conflicts (2 of 4 stars). 4 submissions from 4 submitters: Uncertain significance (4). Last evaluated 2024-02-13.

Conditions:
Tuberous sclerosis syndrome (TSC). Also called: Tuberous sclerosis; Tuberous Sclerosis Complex. Identifiers: Orphanet 805, MedGen C0041341, MONDO:0001734.
Tuberous sclerosis 1 (TSC1). Identifiers: Orphanet 805, MedGen C1854465, MONDO:0008612, OMIM 191100.
Hereditary cancer-predisposing syndrome. Also called: Hereditary neoplastic syndrome; Neoplastic Syndromes, Hereditary; Hereditary Cancer Syndrome; Tumor predisposition. Identifiers: Orphanet 140162, MedGen C0027672, MeSH D009386, MONDO:0015356.

Submissions (4):

GeneDx
Classification: Uncertain significance. Last evaluated: 2024-02-13. Review status: criteria provided, single submitter. Criteria: GeneDx Variant Classification Process June 2021. Collection method: clinical testing. Allele origin: germline. Affected: yes.
Comment: Not observed at significant frequency in large population cohorts (gnomAD); In silico analysis supports that this missense variant does not alter protein structure/function; Has not been previously published as pathogenic or benign to our knowledge; This variant is associated with the following publications: (PMID: 18466115)

All of Us Research Program, National Institutes of Health
Classification: Uncertain significance for Tuberous sclerosis syndrome. Last evaluated: 2024-01-11. Review status: criteria provided, single submitter. Criteria: ACMG Guidelines, 2015. Collection method: clinical testing. Allele origin: germline. Inheritance: Autosomal dominant inheritance. Observed: 1 variant allele, 1 heterozygote.
Comment: This study involves interpretation of variants in research participants for the purpose of population health screening. Participant phenotype was not available at the time of variant classification. Additional details can be found in publication PMID: 35346344, PMCID: PMC8962531

Ambry Genetics
Classification: Uncertain significance for Hereditary cancer-predisposing syndrome. Last evaluated: 2023-10-06. Review status: criteria provided, single submitter. Criteria: Ambry Variant Classification Scheme 2023. Collection method: clinical testing. Allele origin: germline.
Comment: The p.Q325R variant (also known as c.974A>G), located in coding exon 8 of the TSC1 gene, results from an A to G substitution at nucleotide position 974. The glutamine at codon 325 is replaced by arginine, an amino acid with highly similar properties. This amino acid position is conserved. In addition, the in silico prediction for this alteration is inconclusive. Since supporting evidence is limited at this time, the clinical significance of this alteration remains unclear.

Labcorp Genetics (formerly Invitae), Labcorp
Classification: Uncertain significance for Tuberous sclerosis 1. Last evaluated: 2022-08-05. Review status: criteria provided, single submitter. Criteria: Invitae Variant Classification Sherloc (09022015). Collection method: clinical testing. Allele origin: germline.
Comment: This variant is not present in population databases (gnomAD no frequency). In summary, the available evidence is currently insufficient to determine the role of this variant in disease. Therefore, it has been classified as a Variant of Uncertain Significance. Algorithms developed to predict the effect of missense changes on protein structure and function (SIFT, PolyPhen-2, Align-GVGD) all suggest that this variant is likely to be tolerated. ClinVar contains an entry for this variant (Variation ID: 569435). This variant has not been reported in the literature in individuals affected with TSC1-related conditions. This sequence change replaces glutamine, which is neutral and polar, with arginine, which is basic and polar, at codon 325 of the TSC1 protein (p.Gln325Arg).

NM_000368.5(TSC1):c.974A>G (p.Gln325Arg)

Gene: TSC1 (TSC complex subunit 1; minus strand). Cytogenetic location: 9q34.13.
Variant type: single nucleotide variant.
Coding change: c.974A>G on transcript NM_000368.5 (MANE Select); coding-DNA position 974, A replaced by G.
Protein change: p.Gln325Arg; replaces glutamine 325 with arginine.
Molecular consequence: missense variant.
Genome position (GRCh38, 1-based): chr9:132,911,508, T>C on the plus strand (A>G on the coding strand, the complement: TSC1 is on the minus strand). VCF-style: chr9-132911508-T-C. GRCh37 (hg19) VCF-style: chr9-135786895-T-C.
Other names: c.974A>G, p.Gln325Arg (NM_001162426.2); c.821A>G, p.Gln274Arg (NM_001162427.2); c.611A>G, p.Gln204Arg (NM_001362177.2); short protein forms Q325R, Q204R, Q274R.
Identifiers: ClinVar variation 569435 (VCV000569435.8), dbSNP rs1564488890, ClinGen allele CA375368643.